The following is an entry in ClinVar:

ClinVar aggregate classification (germline): Likely pathogenic (1 of 4 stars; one submission).

Submission:

GeneDx
Classification: Likely pathogenic. Last evaluated: 2024-05-16. Review status: criteria provided, single submitter. Criteria: GeneDx Variant Classification Process June 2021. Collection method: clinical testing. Allele origin: germline. Affected: yes.
Comment: Reported in an individual with hearing loss and a family history of hearing loss; however, family members not tested (PMID: 33710140); Frameshift variant predicted to result in protein truncation or nonsense mediated decay in a gene for which loss of function is a known mechanism of disease; Not observed at significant frequency in large population cohorts (gnomAD); This variant is associated with the following publications: (PMID: 33710140)

NM_004999.4(MYO6):c.1948_1949del (p.Gln650fs)

Gene: MYO6 (myosin VI; plus strand). Cytogenetic location: 6q14.1.
Variant type: Microsatellite.
Coding change: c.1948_1949del on transcript NM_004999.4 (MANE Select); coding-DNA positions 1948 to 1949, 2 bases deleted (CA; older notation c.1948_1949delCA).
Protein change: p.Gln650fs; shifts the reading frame from glutamine 650.
Molecular consequence: frameshift variant. On other transcripts: non-coding transcript variant (1).
Genome position (GRCh38, 1-based): chr6:75,870,650-75,870,651, CA deleted; deleting any 2 consecutive bases within chr6:75,870,647-75,870,651 gives the same sequence; the c. name uses the placement nearest the transcript's 3' end. VCF-style (leftmost placement, unchanged base first): chr6-75870646-GAC-G. GRCh37 (hg19) VCF-style: chr6-76580363-GAC-G.
Other names: c.1948_1949del, p.Gln650fs (NM_001300899.2, NM_001368136.1, NM_001368137.1 and 2 more transcripts); c.1933_1934del, p.Gln645fs (NM_001368138.1); short protein forms Q645fs, Q650fs.
Identifiers: ClinVar variation 3378063 (VCV003378063.1).